The following is an entry in ClinVar:

ClinVar aggregate classification (germline): Benign (1 of 4 stars; one submission).

Conditions:
Tuberous sclerosis 1 (TSC1). Identifiers: Orphanet 805, MedGen C1854465, MONDO:0008612, OMIM 191100.

Submission:

Myriad Genetics, Inc.
Classification: Benign for Tuberous sclerosis 1. Last evaluated: 2025-04-30. Review status: criteria provided, single submitter. Criteria: Myriad Autosomal Dominant, Autosomal Recessive and X-Linked Classification Criteria (2023). Collection method: clinical testing. Allele origin: unknown.
Comment: This variant is considered benign. This variant is a silent/synonymous amino acid change and it is not expected to impact splicing.

NM_000368.5(TSC1):c.3297G>A (p.Lys1099=)

Gene: TSC1 (TSC complex subunit 1; minus strand). Cytogenetic location: 9q34.13.
Variant type: single nucleotide variant.
Coding change: c.3297G>A on transcript NM_000368.5 (MANE Select); coding-DNA position 3297, G replaced by A.
Protein change: p.Lys1099=; no amino-acid change (lysine 1099 retained).
Molecular consequence: synonymous variant. On other transcripts: non-coding transcript variant (5).
Genome position (GRCh38, 1-based): chr9:132,896,433, C>T on the plus strand (G>A on the coding strand, the complement: TSC1 is on the minus strand). VCF-style: chr9-132896433-C-T. GRCh37 (hg19) VCF-style: chr9-135771820-C-T.
Other names: c.3294G>A, p.Lys1098= (NM_001162426.2, NM_001406597.1, NM_001406598.1 and 2 more transcripts); c.3144G>A, p.Lys1048= (NM_001162427.2, NM_001406610.1); c.3297G>A, p.Lys1099= (NM_001406595.1, NM_001406592.1, NM_001406596.1 and 2 more transcripts); c.2934G>A, p.Lys978= (NM_001362177.2, NM_001406614.1, NM_001406615.1 and 4 more transcripts); c.3252G>A, p.Lys1084= (NM_001406608.1, NM_001406609.1); c.3141G>A, p.Lys1047= (NM_001406611.1, NM_001406612.1); c.3099G>A, p.Lys1033= (NM_001406613.1); c.2931G>A, p.Lys977= (NM_001406620.1, NM_001406621.1, NM_001406622.1 and 1 more transcripts); and 8 more.
Identifiers: ClinVar variation 4071222 (VCV004071222.1).